The following is an entry in ClinVar:

ClinVar aggregate classification (germline): Uncertain significance (1 of 4 stars; one submission).

Allele frequency attached by ClinVar (database versions not stated): TOPMed 0.00002.
gnomAD v4.1: 1 of 1,613,556 alleles (0.000062%); highest among the groups gnomAD compares: African/African-American, 0.0013%; no homozygotes.

Submission:

Mayo Clinic Laboratories, Mayo Clinic
Classification: Uncertain significance. Last evaluated: 2022-05-04. Review status: criteria provided, single submitter. Criteria: ACMG Guidelines, 2015. Collection method: clinical testing. Allele origin: germline. Observed: 1 variant allele.
Comment: PM2

NM_024312.5(GNPTAB):c.758C>T (p.Ser253Phe)

Gene: GNPTAB (N-acetylglucosamine-1-phosphate transferase subunits alpha and beta; minus strand). Cytogenetic location: 12q23.2.
Variant type: single nucleotide variant.
Coding change: c.758C>T on transcript NM_024312.5 (MANE Select); coding-DNA position 758, C replaced by T.
Protein change: p.Ser253Phe; replaces serine 253 with phenylalanine.
Molecular consequence: missense variant.
Genome position (GRCh38, 1-based): chr12:101,780,165, G>A on the plus strand (C>T on the coding strand, the complement: GNPTAB is on the minus strand). VCF-style: chr12-101780165-G-A. GRCh37 (hg19) VCF-style: chr12-102173943-G-A.
Other names: p.Ser253Phe; short protein forms S253F.
Identifiers: ClinVar variation 2683214 (VCV002683214.1), dbSNP rs1262194867, ClinGen allele CA386304334.